The following is an entry in ClinVar:

NM_002547.3(OPHN1):c.702+1G>A

Gene: OPHN1 (oligophrenin 1; minus strand). Cytogenetic location: Xq12.
Variant type: single nucleotide variant.
Coding change: c.702+1G>A on transcript NM_002547.3 (MANE Select); the canonical splice donor site of the intron after coding-DNA position 702, G replaced by A.
Molecular consequence: splice donor variant.
Genome position (GRCh38, 1-based): chrX:68,212,107, C>T on the plus strand (G>A on the coding strand, the complement: OPHN1 is on the minus strand). VCF-style: chrX-68212107-C-T. GRCh37 (hg19) VCF-style: chrX-67431949-C-T.
Identifiers: ClinVar variation 1326119 (VCV001326119.2), dbSNP rs2147481899, ClinGen allele CA413434109.
Genomic context (GRCh38, chrX:68,212,107, plus strand): 5'-CTAGGGCTGAAATTCAATCGGAATGGAAAGACCGGTGAGAAAAATCCACATGCAAACTCA[C>T]ATTCTGTAAACTGAGTTGGAGCTGTTGTTTGTATGGGAGGAAATCCTGTGTGAGCTCCAC-3'

ClinVar aggregate classification (germline): Pathogenic (1 of 4 stars; one submission).

Submission:

GeneDx
Classification: Pathogenic. Last evaluated: 2021-11-18. Review status: criteria provided, single submitter. Criteria: GeneDx Variant Classification Process June 2021. Collection method: clinical testing. Allele origin: germline. Affected: yes.
Comment: Canonical splice site variant expected to result in aberrant splicing, although in the absence of functional evidence the actual effect of this sequence change is unknown; Not observed in large population cohorts (Lek et al., 2016); Has not been previously published as pathogenic or benign to our knowledge